The following is an entry in ClinVar:

NM_001256864.2(DNAJC6):c.678G>A (p.Ala226=)

Gene: DNAJC6 (DnaJ heat shock protein family (Hsp40) member C6; plus strand). Cytogenetic location: 1p31.3.
Variant type: single nucleotide variant.
Coding change: c.678G>A on transcript NM_001256864.2 (MANE Select); coding-DNA position 678, G replaced by A.
Protein change: p.Ala226=; no amino-acid change (alanine 226 retained).
Molecular consequence: synonymous variant.
Genome position (GRCh38, 1-based): chr1:65,384,204, G>A. VCF-style: chr1-65384204-G-A. GRCh37 (hg19) VCF-style: chr1-65849887-G-A.
Other names: p.Ala226=; c.468G>A, p.Ala156= (NM_001256865.2); c.507G>A, p.Ala169= (NM_014787.4).
Identifiers: ClinVar variation 474681 (VCV000474681.20), dbSNP rs61753391, ClinGen allele CA893735.

ClinVar aggregate classification (germline): Benign/Likely benign. Review status: criteria provided, multiple submitters, no conflicts (2 of 4 stars). 7 submissions from 7 submitters: Benign (3); Likely benign (2). 2 of the submissions do not count toward it. Last evaluated 2026-02-02.

Conditions:
Juvenile onset Parkinson disease 19A. Also called: DNAJC6 Parkinson Disease; PARK19. Identifiers: Orphanet 391411, MedGen C3809811, MONDO:0014231, OMIM 615528.

Allele frequency attached by ClinVar (database versions not stated): gnomAD 0.01829 and 0.01788; ESP Exome Variant Server 0.01876; gnomAD exomes 0.02030 and 0.02365; ExAC 0.02145; 1000 Genomes Project 0.01138; 1000 Genomes Project 30x 0.01156; TOPMed 0.01737.
gnomAD v4.1: 34,973 of 1,516,340 alleles (2.3%); highest among the groups gnomAD compares: Middle Eastern, 4%; 483 homozygotes.

Submissions (7):

Labcorp Genetics (formerly Invitae), Labcorp
Classification: Benign for Juvenile onset Parkinson disease 19A. Last evaluated: 2026-02-02. Review status: criteria provided, single submitter. Criteria: Invitae Variant Classification Sherloc (09022015). Collection method: clinical testing. Allele origin: germline.

Genome-Nilou Lab
Classification: Benign for Juvenile onset Parkinson disease 19A. Last evaluated: 2023-04-11. Review status: criteria provided, single submitter. Criteria: ACMG Guidelines, 2015. Collection method: clinical testing. Allele origin: germline. Affected: no.

Mayo Clinic Laboratories, Mayo Clinic
Classification: Benign. Last evaluated: 2023-02-10. Review status: criteria provided, single submitter. Criteria: ACMG Guidelines, 2015. Collection method: clinical testing. Allele origin: germline. Observed: 31 variant alleles.
Comment: BS1, BS2, BP4, BP7

GeneDx
Classification: Likely benign. Last evaluated: 2020-10-06. Review status: criteria provided, single submitter. Criteria: GeneDx Variant Classification Process June 2021. Collection method: clinical testing. Allele origin: germline. Affected: yes.

Breakthrough Genomics
Classification: Likely benign. Review status: criteria provided, single submitter. Criteria: ACMG Guidelines, 2015. Collection method: not provided. Allele origin: germline. Inheritance: Autosomal recessive inheritance. Affected: yes.

Clinical Genetics DNA and cytogenetics Diagnostics Lab, Erasmus MC, Erasmus Medical Center
Classification: Benign. Review status: no assertion criteria provided. Collection method: clinical testing. Allele origin: germline. Affected: yes. Study: VKGL Data-share Consensus. Not counted in ClinVar's aggregate classification.

Genome Diagnostics Laboratory, Amsterdam University Medical Center
Classification: Likely benign. Review status: no assertion criteria provided. Collection method: clinical testing. Allele origin: germline. Affected: yes. Study: VKGL Data-share Consensus. Not counted in ClinVar's aggregate classification.